The following is an entry in ClinVar:

ClinVar aggregate classification (germline): Likely benign. Review status: criteria provided, single submitter (1 of 4 stars). 2 submissions from 2 submitters: Likely benign (1). 1 of the submissions does not count toward it. Last evaluated 2021-03-05.

Conditions:
Epileptic encephalopathy. Identifiers: MedGen C0543888, HP:0200134.
RYR3-related disorder. Also called: RYR3-related condition.

Allele frequency attached by ClinVar (database versions not stated): 1000 Genomes Project 30x 0.00078; 1000 Genomes Project 0.00100; TOPMed 0.00053.
gnomAD v4.1: 164 of 1,613,944 alleles (0.01%); highest among the groups gnomAD compares: East Asian, 0.32%; 1 homozygote.

Submissions (2):

Labcorp Genetics (formerly Invitae), Labcorp
Classification: Likely benign for Epileptic encephalopathy. Last evaluated: 2021-03-05. Review status: criteria provided, single submitter. Criteria: Invitae Variant Classification Sherloc (09022015). Collection method: clinical testing. Allele origin: germline.

PreventionGenetics, part of Exact Sciences
Classification: Likely benign for RYR3-related condition. Last evaluated: 2019-08-12. Review status: no assertion criteria provided. Collection method: clinical testing. Allele origin: germline. Not counted in ClinVar's aggregate classification.
Comment: This variant is classified as likely benign based on ACMG/AMP sequence variant interpretation guidelines (Richards et al. 2015 PMID: 25741868, with internal and published modifications).

NM_001036.6(RYR3):c.6125A>C (p.Asn2042Thr)

Gene: RYR3 (ryanodine receptor 3; plus strand). Cytogenetic location: 15q14.
Variant type: single nucleotide variant.
Coding change: c.6125A>C on transcript NM_001036.6 (MANE Select); coding-DNA position 6125, A replaced by C.
Protein change: p.Asn2042Thr; replaces asparagine 2042 with threonine.
Molecular consequence: missense variant.
Genome position (GRCh38, 1-based): chr15:33,696,482, A>C. VCF-style: chr15-33696482-A-C. GRCh37 (hg19) VCF-style: chr15-33988683-A-C.
Other names: c.6125A>C, p.Asn2042Thr (NM_001243996.4); short protein forms N2042T.
Identifiers: ClinVar variation 739132 (VCV000739132.11), dbSNP rs116926961, ClinGen allele CA7459440.
Genomic context (GRCh38, chr15:33,696,482, plus strand): 5'-GCCAAATCCGCTCCCTCCTCAGTGTCAGGATGGGCAAGGAAGAGGAGTTGCTCATGATCA[A>C]TGGGCTGGGGTAGGTGATTCACGGTTACGTGCTGTTCTCTCTAGGAGCTTTAAGTGGGAA-3'
Protein context (NP_001027.3, residues 2032-2052): MGKEEELLMI[Asn2042Thr]GLGDIMNNKV